The following is an entry in ClinVar:

ClinVar aggregate classification (germline): Uncertain significance. Review status: criteria provided, multiple submitters, no conflicts (2 of 4 stars). 3 submissions from 3 submitters: Uncertain significance (2). 1 of the submissions does not count toward it. Last evaluated 2023-06-15.

Conditions:
Neutropenia, severe congenital, 1, autosomal dominant. Identifiers: MedGen C1859966, MONDO:0042490, OMIM 202700.
TCIRG1-related disorder. Also called: TCIRG1-related condition.

Submissions (3):

St. Jude Molecular Pathology, St. Jude Children's Research Hospital
Classification: Uncertain significance for Neutropenia, severe congenital, 1, autosomal dominant. Last evaluated: 2023-06-15. Review status: criteria provided, single submitter. Criteria: St. Jude Assertion Criteria 2020. Collection method: clinical testing. Allele origin: germline.
Comment: The TCIRG1 c.1976_1981dup (p.His659_Arg660dup) change inserts six nucleotides at position 1976-1981, resulting in an in-frame duplication of 2 amino acid residues. This variant has a maximum subpopulation frequency of 0.019% in gnomAD v2.1.1. Algorithms that predict the impact of sequence changes on splicing indicate that this variant does not affect splicing. To our knowledge, in-frame duplications in the TCIRG1 gene have not been reported in individuals with severe congenital neutropenia or osteopetrosis. In summary, the evidence currently available is insufficient to determine the clinical significance of this variant. It has therefore been classified as of uncertain significance.

Labcorp Genetics (formerly Invitae), Labcorp
Classification: Uncertain significance. Last evaluated: 2022-05-11. Review status: criteria provided, single submitter. Criteria: Invitae Variant Classification Sherloc (09022015). Collection method: clinical testing. Allele origin: germline.
Comment: This variant, c.1976_1981dup, results in the insertion of 2 amino acid(s) of the TCIRG1 protein (p.His659_Arg660dup), but otherwise preserves the integrity of the reading frame. This variant is present in population databases (no rsID available, gnomAD 0.02%). This variant has not been reported in the literature in individuals affected with TCIRG1-related conditions. Experimental studies and prediction algorithms are not available or were not evaluated, and the functional significance of this variant is currently unknown. In summary, the available evidence is currently insufficient to determine the role of this variant in disease. Therefore, it has been classified as a Variant of Uncertain Significance.

PreventionGenetics, part of Exact Sciences
Classification: Uncertain significance for TCIRG1-related condition. Last evaluated: 2024-01-10. Review status: no assertion criteria provided. Collection method: clinical testing. Allele origin: germline. Not counted in ClinVar's aggregate classification.
Comment: The TCIRG1 c.1976_1981dup6 variant is predicted to result in an in-frame duplication (p.His659_Arg660dup). To our knowledge, this variant has not been reported in the literature. This variant is reported in 0.019% of alleles in individuals of East Asian descent in gnomAD. At this time, the clinical significance of this variant is uncertain due to the absence of conclusive functional and genetic evidence.

NM_006019.4(TCIRG1):c.1970ACCGCC[3] (p.657HR[3])

Gene: TCIRG1 (T cell immune regulator 1, ATPase H+ transporting V0 subunit a3; plus strand). Cytogenetic location: 11q13.2.
Variant type: Microsatellite.
Coding change: c.1970ACCGCC[3] on transcript NM_006019.4 (MANE Select); three copies in a row of the 6-base unit ACCGCC starting at c.1970; the reference has two copies in a row; one copy, 6 bases duplicated; also written c.1976_1981dup.
Protein change: p.657HR[3].
Molecular consequence: inframe insertion.
Genome position (GRCh38, 1-based): chr11:68,049,751-68,049,756, ACCGCC duplicated; duplicating any 6 consecutive bases within chr11:68,049,744-68,049,756 gives the same sequence; the position shown is the placement nearest the transcript's 3' end. VCF-style (leftmost placement, unchanged base first): chr11-68049743-G-GCACCGC. GRCh37 (hg19) VCF-style: chr11-67817210-G-GCACCGC.
Other names: c.1076ACCGCC[3], p.359HR[3] (NM_001351059.2); c.1322ACCGCC[3], p.441HR[3] (NM_006053.4); c.1976_1981dup (NM_006019.4); c.1976_1981dup6 (NM_006019.3).
Identifiers: ClinVar variation 1373951 (VCV001373951.6), dbSNP rs1565163569, ClinGen allele CA475513813.